The following is an entry in ClinVar:

NM_198282.4(STING1):c.161T>C (p.Leu54Pro)

Gene: STING1 (stimulator of interferon response cGAMP interactor 1; minus strand). Cytogenetic location: 5q31.2.
Variant type: single nucleotide variant.
Coding change: c.161T>C on transcript NM_198282.4 (MANE Select); coding-DNA position 161, T replaced by C.
Protein change: p.Leu54Pro; replaces leucine 54 with proline.
Molecular consequence: missense variant. On other transcripts: intron variant (1).
Genome position (GRCh38, 1-based): chr5:139,481,544, A>G on the plus strand (T>C on the coding strand, the complement: STING1 is on the minus strand). VCF-style: chr5-139481544-A-G. GRCh37 (hg19) VCF-style: chr5-138861129-A-G.
Other names: c.161T>C, p.Leu54Pro (NM_001301738.2); c.-130-202T>C (NM_001367258.1); short protein forms L54P.
Identifiers: ClinVar variation 1060211 (VCV001060211.9), dbSNP rs1292788155, ClinGen allele CA361481738.

ClinVar aggregate classification (germline): Uncertain significance (1 of 4 stars; one submission).

Conditions:
STING-associated vasculopathy with onset in infancy. Also called: Sting-associated vasculopathy, infantile-onset. Identifiers: Orphanet 425120, MedGen C4014722, MONDO:0014405, OMIM 615934.

Allele frequency attached by ClinVar (database versions not stated): gnomAD 0.00001; TOPMed 0.00001.
gnomAD v4.1: 1 of 1,613,888 alleles (0.000062%); highest among the groups gnomAD compares: African/African-American, 0.0013%; no homozygotes.

Submission:

Labcorp Genetics (formerly Invitae), Labcorp
Classification: Uncertain significance for STING-associated vasculopathy with onset in infancy. Last evaluated: 2020-04-17. Review status: criteria provided, single submitter. Criteria: Invitae Variant Classification Sherloc (09022015). Collection method: clinical testing. Allele origin: germline.
Comment: In summary, the available evidence is currently insufficient to determine the role of this variant in disease. Therefore, it has been classified as a Variant of Uncertain Significance. Algorithms developed to predict the effect of missense changes on protein structure and function are either unavailable or do not agree on the potential impact of this missense change (SIFT: "Tolerated"; PolyPhen-2: "Possibly Damaging"; Align-GVGD: "Class C0"). This variant has not been reported in the literature in individuals with TMEM173-related conditions. This variant is not present in population databases (ExAC no frequency). This sequence change replaces leucine with proline at codon 54 of the TMEM173 protein (p.Leu54Pro). The leucine residue is moderately conserved and there is a moderate physicochemical difference between leucine and proline.